The following is an entry in ClinVar:

ClinVar aggregate classification (germline): Uncertain significance. Review status: criteria provided, multiple submitters, no conflicts (2 of 4 stars). 2 submissions from 2 submitters: Uncertain significance (2). Last evaluated 2025-12-09.

Conditions:
Inborn genetic diseases. Identifiers: MedGen C0950123, MeSH D030342.

Allele frequency attached by ClinVar (database versions not stated): TOPMed 0.00022; gnomAD 0.00023 and 0.00021; gnomAD exomes 0.00012; ExAC 0.00005.
gnomAD v4.1: 91 of 1,613,944 alleles (0.0056%); highest among the groups gnomAD compares: Admixed American, 0.088%; no homozygotes.

Submissions (2):

Ambry Genetics
Classification: Uncertain significance for Inborn genetic diseases. Last evaluated: 2025-12-09. Review status: criteria provided, single submitter. Criteria: Ambry Variant Classification Scheme 2023. Collection method: clinical testing. Allele origin: germline.

Labcorp Genetics (formerly Invitae), Labcorp
Classification: Uncertain significance. Last evaluated: 2025-01-27. Review status: criteria provided, single submitter. Criteria: Invitae Variant Classification Sherloc (09022015). Collection method: clinical testing. Allele origin: germline.
Comment: This sequence change replaces valine, which is neutral and non-polar, with isoleucine, which is neutral and non-polar, at codon 112 of the EIF2B3 protein (p.Val112Ile). This variant is present in population databases (rs745869984, gnomAD 0.06%). This variant has not been reported in the literature in individuals affected with EIF2B3-related conditions. ClinVar contains an entry for this variant (Variation ID: 1424476). Invitae Evidence Modeling of protein sequence and biophysical properties (such as structural, functional, and spatial information, amino acid conservation, physicochemical variation, residue mobility, and thermodynamic stability) indicates that this missense variant is not expected to disrupt EIF2B3 protein function with a negative predictive value of 80%. In summary, the available evidence is currently insufficient to determine the role of this variant in disease. Therefore, it has been classified as a Variant of Uncertain Significance.

NM_020365.5(EIF2B3):c.334G>A (p.Val112Ile)

Gene: EIF2B3 (eukaryotic translation initiation factor 2B subunit gamma; minus strand). Cytogenetic location: 1p34.1.
Variant type: single nucleotide variant.
Coding change: c.334G>A on transcript NM_020365.5 (MANE Select); coding-DNA position 334, G replaced by A.
Protein change: p.Val112Ile; replaces valine 112 with isoleucine.
Molecular consequence: missense variant.
Genome position (GRCh38, 1-based): chr1:44,941,626, C>T on the plus strand (G>A on the coding strand, the complement: EIF2B3 is on the minus strand). VCF-style: chr1-44941626-C-T. GRCh37 (hg19) VCF-style: chr1-45407298-C-T.
Other names: c.334G>A (NM_020365.3); c.334G>A, p.Val112Ile (NM_001166588.3, NM_001261418.2); short protein forms V112I.
Identifiers: ClinVar variation 1424476 (VCV001424476.8), dbSNP rs745869984, ClinGen allele CA824053.
Genomic context (GRCh38, chr1:44,941,626, plus strand): 5'-TCAACATAGCAAGTGATGCATCATAAGCTCTAAACAGGTCCACAACCTCATGTAAGGCAA[C>T]GTCTGTTATCAGATCACAGCTCAGCACCAGCACATCTGTCTGTTAAATGGAGATGGGAAA-3'
Protein context (NP_065098.1, residues 102-122): LVLSCDLITD[Val112Ile]ALHEVVDLFR